The following is an entry in ClinVar:

ClinVar aggregate classification (germline): Uncertain significance (1 of 4 stars; one submission).

Allele frequency attached by ClinVar (database versions not stated): gnomAD exomes below 0.00001; TOPMed below 0.00001; ExAC 0.00001; gnomAD 0.00001.
gnomAD v4.1: 3 of 1,613,990 alleles (0.00019%); highest among the groups gnomAD compares: Non-Finnish European, 0.00025%; no homozygotes.

Submission:

Labcorp Genetics (formerly Invitae), Labcorp
Classification: Uncertain significance. Last evaluated: 2025-04-08. Review status: criteria provided, single submitter. Criteria: Invitae Variant Classification Sherloc (09022015). Collection method: clinical testing. Allele origin: germline.
Comment: This sequence change replaces asparagine, which is neutral and polar, with serine, which is neutral and polar, at codon 2460 of the FLNB protein (p.Asn2460Ser). This variant is present in population databases (rs773340625, gnomAD 0.0009%). This variant has not been reported in the literature in individuals affected with FLNB-related conditions. ClinVar contains an entry for this variant (Variation ID: 1351109). Invitae Evidence Modeling of protein sequence and biophysical properties (such as structural, functional, and spatial information, amino acid conservation, physicochemical variation, residue mobility, and thermodynamic stability) indicates that this missense variant is not expected to disrupt FLNB protein function with a negative predictive value of 95%. In summary, the available evidence is currently insufficient to determine the role of this variant in disease. Therefore, it has been classified as a Variant of Uncertain Significance.

NM_001457.4(FLNB):c.7379A>G (p.Asn2460Ser)

Genes: FLNB (filamin B; plus strand), FLNB-AS1 (FLNB antisense RNA 1; minus strand). Cytogenetic location: 3p14.3.
Variant type: single nucleotide variant.
Coding change: c.7379A>G on transcript NM_001457.4 (MANE Select); coding-DNA position 7379, A replaced by G.
Protein change: p.Asn2460Ser; replaces asparagine 2460 with serine.
Molecular consequence: missense variant.
Genome position (GRCh38, 1-based): chr3:58,168,620, A>G. VCF-style: chr3-58168620-A-G. GRCh37 (hg19) VCF-style: chr3-58154347-A-G.
Other names: c.7472A>G, p.Asn2491Ser (NM_001164317.2); c.7346A>G, p.Asn2449Ser (NM_001164318.2); c.7307A>G, p.Asn2436Ser (NM_001164319.2); short protein forms N2449S, N2436S, N2460S, N2491S.
Identifiers: ClinVar variation 1351109 (VCV001351109.6), dbSNP rs773340625, ClinGen allele CA2469664.